The following is an entry in ClinVar:

ClinVar aggregate classification (germline): Uncertain significance (1 of 4 stars; one submission).

Conditions:
SMG8-related disorder. Also called: SMG8-related condition.

Allele frequency attached by ClinVar (database versions not stated): gnomAD exomes below 0.00001.
gnomAD v4.1: 2 of 1,614,110 alleles (0.00012%); highest among the groups gnomAD compares: South Asian, 0.0022%; no homozygotes.

Submission:

PreventionGenetics, part of Exact Sciences
Classification: Uncertain significance for SMG8-related condition. Last evaluated: 2023-04-18. Review status: criteria provided, single submitter. Criteria: ACMG Guidelines, 2015. Collection method: clinical testing. Allele origin: germline.
Comment: The SMG8 c.1259T>C variant is predicted to result in the amino acid substitution p.Leu420Pro. To our knowledge, this variant has not been reported in the literature. This variant is reported in 0.0033% of alleles in individuals of South Asian descent in gnomAD. At this time, the clinical significance of this variant is uncertain due to the absence of conclusive functional and genetic evidence.

NM_018149.7(SMG8):c.1259T>C (p.Leu420Pro)

Gene: SMG8 (SMG8 nonsense mediated mRNA decay factor; plus strand). Cytogenetic location: 17q22.
Variant type: single nucleotide variant.
Coding change: c.1259T>C on transcript NM_018149.7 (MANE Select); coding-DNA position 1259, T replaced by C.
Protein change: p.Leu420Pro; replaces leucine 420 with proline.
Molecular consequence: missense variant.
Genome position (GRCh38, 1-based): chr17:59,211,310, T>C. VCF-style: chr17-59211310-T-C. GRCh37 (hg19) VCF-style: chr17-57288671-T-C.
Other names: short protein forms L420P.
Identifiers: ClinVar variation 2633686 (VCV002633686.1), dbSNP rs1284983542, ClinGen allele CA400395566.
Genomic context (GRCh38, chr17:59,211,310, plus strand): 5'-GTTCTTCAGGCCAGCTAGTGGATTTCACTCTTCGGGAATTCCTATGGCAGCATGTGGAGC[T>C]AGTTCTAAGCAAGAAAGGTTTCGATGACAGTGTGGGCAGGAACCCACAGCCTTCCCATTT-3'
Protein context (NP_060619.4, residues 410-430): LREFLWQHVE[Leu420Pro]VLSKKGFDDS